The following is an entry in ClinVar:

NM_000071.3(CBS):c.*18G>A

Gene: CBS (cystathionine beta-synthase; minus strand). Cytogenetic location: 21q22.3.
Variant type: single nucleotide variant.
Coding change: c.*18G>A on transcript NM_000071.3 (MANE Select); 18 bases downstream of the stop codon, G replaced by A.
Molecular consequence: 3 prime UTR variant.
Genome position (GRCh38, 1-based): chr21:43,053,862, C>T on the plus strand (G>A on the coding strand, the complement: CBS is on the minus strand). VCF-style: chr21-43053862-C-T. GRCh37 (hg19) VCF-style: chr21-44473972-C-T.
Other names: NC_000021.8:g.44473972C>T; c.*18G>A (NM_001178008.3, NM_001178009.3, NM_001320298.2 and 1 more transcripts).
Identifiers: ClinVar variation 136676 (VCV000136676.14), dbSNP rs200259659, ClinGen allele CA289979.

ClinVar aggregate classification (germline): Conflicting classifications of pathogenicity. Review status: criteria provided, conflicting classifications (1 of 4 stars). 6 submissions from 6 submitters: Uncertain significance (2); Benign (1); Likely benign (1). 2 of the submissions do not count toward it. Last evaluated 2024-11-22.

Conditions:
Classic homocystinuria. Also called: HOMOCYSTINURIA WITH OR WITHOUT RESPONSE TO PYRIDOXINE; Homocystinuria due to Cystathionine Beta-Synthase Deficiency; Homocystinuria due to CBS deficiency; Cystathionine beta-synthase deficiency; CBS deficiency. Identifiers: Orphanet 394, MedGen C0751202, MONDO:0009352, OMIM 236200.

Allele frequency attached by ClinVar (database versions not stated): 1000 Genomes Project 0.00040; gnomAD 0.00083; gnomAD exomes 0.00097; ExAC 0.00108; ESP Exome Variant Server 0.00115.

Submissions (13):

Blueprint Genetics
Classification: Likely benign. Last evaluated: 2024-11-22. Review status: criteria provided, single submitter. Criteria: ACMG Guidelines, 2015. Collection method: clinical testing. Allele origin: germline.

Women's Health and Genetics/Laboratory Corporation of America, LabCorp
Classification: Uncertain significance. Last evaluated: 2024-07-21. Review status: criteria provided, single submitter. Criteria: LabCorp Variant Classification Summary - May 2015. Collection method: clinical testing. Allele origin: germline.

Illumina Laboratory Services, Illumina
Classification: Uncertain significance for Classic homocystinuria. Last evaluated: 2018-01-12. Review status: criteria provided, single submitter. Criteria: ICSL Variant Classification Criteria 13 December 2019. Collection method: clinical testing. Allele origin: germline.

GeneDx
Classification: Benign. Last evaluated: 2013-02-01. Review status: criteria provided, single submitter. Criteria: GeneDx Variant Classification (06012015). Collection method: clinical testing. Allele origin: germline. Affected: yes.
Comment: This variant is considered likely benign or benign based on one or more of the following criteria: it is a conservative change, it occurs at a poorly conserved position in the protein, it is predicted to be benign by multiple in silico algorithms, and/or has population frequency not consistent with disease.

Clinical Genetics, Academic Medical Center
Classification: Likely benign. Review status: no assertion criteria provided. Collection method: clinical testing. Allele origin: germline. Affected: yes. Study: VKGL Data-share Consensus. Not counted in ClinVar's aggregate classification.

Dr. Peter K. Rogan Lab, Western University
No classification provided (evidence only). Condition: Malignant tumor of urinary bladder. Review status: no classification provided. Collection method: in vitro. Allele origin: not applicable. Functional consequence: retained intron. Not counted in ClinVar's aggregate classification.

Dr. Peter K. Rogan Lab, Western University
No classification provided (evidence only). Condition: Lung cancer. Review status: no classification provided. Collection method: in vitro. Allele origin: not applicable. Functional consequence: retained intron. Not counted in ClinVar's aggregate classification.

Dr. Peter K. Rogan Lab, Western University
No classification provided (evidence only). Condition: Lung cancer. Review status: no classification provided. Collection method: in vitro. Allele origin: not applicable. Functional consequence: retained intron. Not counted in ClinVar's aggregate classification.

Dr. Peter K. Rogan Lab, Western University
No classification provided (evidence only). Condition: Cervical cancer. Review status: no classification provided. Collection method: in vitro. Allele origin: not applicable. Functional consequence: retained intron. Not counted in ClinVar's aggregate classification.

Dr. Peter K. Rogan Lab, Western University
No classification provided (evidence only). Condition: Nonpapillary renal cell carcinoma. Review status: no classification provided. Collection method: in vitro. Allele origin: not applicable. Functional consequence: retained intron. Not counted in ClinVar's aggregate classification.

Dr. Peter K. Rogan Lab, Western University
No classification provided (evidence only). Condition: Ovarian serous cystadenocarcinoma. Review status: no classification provided. Collection method: in vitro. Allele origin: not applicable. Functional consequence: retained intron. Not counted in ClinVar's aggregate classification.

Dr. Peter K. Rogan Lab, Western University
No classification provided (evidence only). Condition: Malignant tumor of esophagus. Review status: no classification provided. Collection method: in vitro. Allele origin: not applicable. Functional consequence: retained intron. Not counted in ClinVar's aggregate classification.

Joint Genome Diagnostic Labs from Nijmegen and Maastricht, Radboudumc and MUMC+
Classification: Likely benign. Review status: no assertion criteria provided. Collection method: clinical testing. Allele origin: germline. Affected: yes. Study: VKGL Data-share Consensus. Not counted in ClinVar's aggregate classification.